The following is an entry in ClinVar:

ClinVar aggregate classification (germline): Uncertain significance. Review status: criteria provided, multiple submitters, no conflicts (2 of 4 stars). 2 submissions from 2 submitters: Uncertain significance (2). Last evaluated 2024-11-07.

Conditions:
Primary familial hypertrophic cardiomyopathy (HCM). Identifiers: Orphanet 99739, MedGen C0949658, MeSH D024741, MONDO:0024573. Inheritance: Various modes of inheritance.
Dilated cardiomyopathy 1AA (CMD1AA). Also called: Cardiomyopathy, dilated, 1AA, with or without LVNC; CARDIOMYOPATHY, DILATED, 1AA, WITH OR WITHOUT LEFT VENTRICULAR NONCOMPACTION; CARDIOMYOPATHY, FAMILIAL HYPERTROPHIC, 23, WITH OR WITHOUT LEFT VENTRICULAR NONCOMPACTION. Identifiers: Orphanet 154, MedGen C2677338, MONDO:0012808, OMIM 612158.

gnomAD v4.1: 1 of 1,598,914 alleles (0.000063%); highest among the groups gnomAD compares: Non-Finnish European, 0.000085%; no homozygotes.

Submissions (2):

Labcorp Genetics (formerly Invitae), Labcorp
Classification: Uncertain significance for Primary familial hypertrophic cardiomyopathy; Dilated cardiomyopathy 1AA. Last evaluated: 2024-11-07. Review status: criteria provided, single submitter. Criteria: Invitae Variant Classification Sherloc (09022015). Collection method: clinical testing. Allele origin: germline.
Comment: This sequence change replaces tyrosine, which is neutral and polar, with histidine, which is basic and polar, at codon 286 of the ACTN2 protein (p.Tyr286His). This variant is not present in population databases (gnomAD no frequency). This variant has not been reported in the literature in individuals affected with ACTN2-related conditions. Invitae Evidence Modeling of protein sequence and biophysical properties (such as structural, functional, and spatial information, amino acid conservation, physicochemical variation, residue mobility, and thermodynamic stability) indicates that this missense variant is expected to disrupt ACTN2 protein function with a positive predictive value of 80%. In summary, the available evidence is currently insufficient to determine the role of this variant in disease. Therefore, it has been classified as a Variant of Uncertain Significance.

Blueprint Genetics
Classification: Uncertain significance. Last evaluated: 2021-02-20. Review status: criteria provided, single submitter. Criteria: ACMG Guidelines, 2015. Collection method: clinical testing. Allele origin: germline.

NM_001103.4(ACTN2):c.856T>C (p.Tyr286His)

Gene: ACTN2 (actinin alpha 2; plus strand). Cytogenetic location: 1q43.
Variant type: single nucleotide variant.
Coding change: c.856T>C on transcript NM_001103.4 (MANE Select); coding-DNA position 856, T replaced by C.
Protein change: p.Tyr286His; replaces tyrosine 286 with histidine.
Molecular consequence: missense variant. On other transcripts: non-coding transcript variant (1).
Genome position (GRCh38, 1-based): chr1:236,737,194, T>C. VCF-style: chr1-236737194-T-C. GRCh37 (hg19) VCF-style: chr1-236900494-T-C.
Other names: c.856T>C, p.Tyr286His (NM_001278343.2); short protein forms Y286H.
Identifiers: ClinVar variation 3748550 (VCV003748550.3).